The following is an entry in ClinVar:

NM_007294.4(BRCA1):c.1175T>C (p.Leu392Pro)

Gene: BRCA1 (BRCA1 DNA repair associated; minus strand). Cytogenetic location: 17q21.31.
Variant type: single nucleotide variant.
Coding change: c.1175T>C on transcript NM_007294.4 (MANE Select); coding-DNA position 1175, T replaced by C.
Protein change: p.Leu392Pro; replaces leucine 392 with proline.
Molecular consequence: missense variant. On other transcripts: intron variant (137).
Genome position (GRCh38, 1-based): chr17:43,094,356, A>G on the plus strand (T>C on the coding strand, the complement: BRCA1 is on the minus strand). VCF-style: chr17-43094356-A-G. GRCh37 (hg19) VCF-style: chr17-41246373-A-G.
Other names: c.1034T>C, p.Leu345Pro (NM_001407696.1, NM_001407698.1, NM_001407725.1 and 29 more transcripts); c.709+388T>C (NM_001408412.1, NM_001408409.1, NM_001408414.1 and 2 more transcripts); c.577+388T>C (NM_001408481.1, NM_001408480.1, NM_001408492.1 and 9 more transcripts); c.778+388T>C (NM_001408408.1); c.451+388T>C (NM_001408509.1, NM_001408508.1); c.574+388T>C (NM_001408491.1, NM_001408493.1, NM_001408490.1); c.460+1490T>C (NM_001408506.1, NM_001408507.1); c.962T>C, p.Leu321Pro (NM_001407571.1, NM_001407853.1, NM_001407894.1 and 9 more transcripts); and 40 more; short protein forms L392P, L345P, L265P, L303P, L350P, L366P, L391P, L281P.
Identifiers: ClinVar variation 462551 (VCV000462551.14), dbSNP rs777305766, ClinGen allele CA10599700.
Genomic context (GRCh38, chr17:43,094,356, plus strand): 5'-ACATCAGCTACTTTGGCATTTGATTCAGACTCCCCATCATGTGAGTCATCAGAACCTAAC[A>G]GTTCATCACTTCTGGAAAACCACTCATTAACTTTCTGAATGCTGCTATTTAGTGTTATCC-3'
Protein context (NP_009225.1, residues 382-402): VNEWFSRSDE[Leu392Pro]LGSDDSHDGE

ClinVar aggregate classification (germline): Conflicting classifications of pathogenicity. Review status: criteria provided, conflicting classifications (1 of 4 stars). 3 submissions from 3 submitters: Uncertain significance (2); Likely benign (1). Last evaluated 2023-04-25.

Conditions:
Hereditary breast ovarian cancer syndrome. Also called: Hereditary breast and ovarian cancer syndrome (HBOC); Hereditary breast and ovarian cancer syndrome; Breast and ovarian cancer; Hereditary breast and/or ovarian cancer syndrome; Hereditary breast and ovarian cancer; BRCA1- and BRCA2-Associated Hereditary Breast and Ovarian Cancer. Identifiers: Orphanet 145, MedGen C0677776, MeSH D061325, MONDO:0003582. Disease mechanism: loss of function.
Hereditary cancer-predisposing syndrome. Also called: Neoplastic Syndromes, Hereditary; Hereditary Cancer Syndrome; Hereditary neoplastic syndrome; Tumor predisposition. Identifiers: Orphanet 140162, MedGen C0027672, MeSH D009386, MONDO:0015356.

Submissions (3):

Labcorp Genetics (formerly Invitae), Labcorp
Classification: Uncertain significance for Hereditary breast ovarian cancer syndrome. Last evaluated: 2023-04-25. Review status: criteria provided, single submitter. Criteria: Invitae Variant Classification Sherloc (09022015). Collection method: clinical testing. Allele origin: germline.
Comment: In summary, the available evidence is currently insufficient to determine the role of this variant in disease. Therefore, it has been classified as a Variant of Uncertain Significance. Advanced modeling of protein sequence and biophysical properties (such as structural, functional, and spatial information, amino acid conservation, physicochemical variation, residue mobility, and thermodynamic stability) performed at Invitae indicates that this missense variant is not expected to disrupt BRCA1 protein function. ClinVar contains an entry for this variant (Variation ID: 462551). This variant has not been reported in the literature in individuals affected with BRCA1-related conditions. This variant is not present in population databases (gnomAD no frequency). This sequence change replaces leucine, which is neutral and non-polar, with proline, which is neutral and non-polar, at codon 392 of the BRCA1 protein (p.Leu392Pro).

University of Washington Department of Laboratory Medicine, University of Washington
Classification: Likely benign for Hereditary cancer-predisposing syndrome. Last evaluated: 2023-03-23. Review status: criteria provided, single submitter. Criteria: Dines et al. (Genet Med. 2020). Collection method: curation. Allele origin: germline.
Comment: Missense variant in a coldspot region where missense variants are very unlikely to be pathogenic (PMID:31911673).

BRCA1 coldspot (exon 11 using historical exon numbering). Reclassification based on statistical prior probability

GeneDx
Classification: Uncertain significance. Last evaluated: 2019-04-24. Review status: criteria provided, single submitter. Criteria: GeneDx Variant Classification Process June 2021. Collection method: clinical testing. Allele origin: germline. Affected: yes.
Comment: Not observed in large population cohorts (Lek et al., 2016); Has not been previously published as pathogenic or benign to our knowledge